The following is an entry in ClinVar:

NM_001369.3(DNAH5):c.5296_5297insGCTGAGTGTCG (p.Ser1766delinsCysTer)

Gene: DNAH5 (dynein axonemal heavy chain 5; minus strand). Cytogenetic location: 5p15.2.
Variant type: Insertion.
Coding change: c.5296_5297insGCTGAGTGTCG on transcript NM_001369.3 (MANE Select); coding-DNA positions 5296 to 5297, GCTGAGTGTCG inserted.
Protein change: p.Ser1766delinsCysTer.
Molecular consequence: nonsense.
Genome position: GRCh38 VCF-style: chr5-13841879-G-GCGACACTCAGC. GRCh37 (hg19) VCF-style: chr5-13841988-G-GCGACACTCAGC.
Identifiers: ClinVar variation 5010784 (VCV005010784.1).
Genomic context (GRCh38, chr5:13,841,879, plus strand): 5'-TCCACATTGCCCTCTGCCATGACAGGTTTATCCAATTCAATCGTCTCACCCTCTTGAGAG[G>GCGACACTCAGC]AAATTGACAGAATTCGATCATAGATCTATGTTAGAAACCAAAAAAAAAAAAAAAAAAAGC-3'

ClinVar aggregate classification (germline): Pathogenic (1 of 4 stars; one submission).

Conditions:
Primary ciliary dyskinesia 3. Identifiers: Orphanet 244, MedGen C1837618, MONDO:0012085, OMIM 608644.

Submission:

Myriad Genetics, Inc.
Classification: Pathogenic for Primary ciliary dyskinesia 3. Last evaluated: 2024-05-14. Review status: criteria provided, single submitter. Criteria: Myriad Autosomal Dominant, Autosomal Recessive and X-Linked Classification Criteria (2023). Collection method: clinical testing. Allele origin: unknown.
Comment: NM_001369.2(DNAH5):c.5296_5297ins11(S1766Cfs*2) is expected to be pathogenic in the context of primary ciliary dyskinesia, DNAH5-related. This variant is predicted to lead to an abnormal or absent protein product due to the creation of a premature termination codon in DNAH5, a gene where loss-of-function variants are known to be pathogenic. Please note: this variant was assessed in the context of healthy population screening.